The following is an entry in ClinVar:

NM_004444.5(EPHB4):c.269T>C (p.Leu90Pro)

Gene: EPHB4 (EPH receptor B4; minus strand). Cytogenetic location: 7q22.1.
Variant type: single nucleotide variant.
Coding change: c.269T>C on transcript NM_004444.5 (MANE Select); coding-DNA position 269, T replaced by C.
Protein change: p.Leu90Pro; replaces leucine 90 with proline.
Molecular consequence: missense variant.
Genome position (GRCh38, 1-based): chr7:100,823,786, A>G on the plus strand (T>C on the coding strand, the complement: EPHB4 is on the minus strand). VCF-style: chr7-100823786-A-G. GRCh37 (hg19) VCF-style: chr7-100421408-A-G.
Other names: short protein forms L90P.
Identifiers: ClinVar variation 4842535 (VCV004842535.1).

ClinVar aggregate classification (germline): Uncertain significance (1 of 4 stars; one submission).

Conditions:
Cardiovascular phenotype. Identifiers: MedGen CN230736.

gnomAD v4.1: 1 of 1,613,498 alleles (0.000062%); highest among the groups gnomAD compares: Non-Finnish European, 0.000085%; no homozygotes.

Submission:

Ambry Genetics
Classification: Uncertain significance for Cardiovascular phenotype. Last evaluated: 2025-12-24. Review status: criteria provided, single submitter. Criteria: Ambry Variant Classification Scheme 2023. Collection method: clinical testing. Allele origin: germline.
Comment: The p.L90P variant (also known as c.269T>C), located in coding exon 3 of the EPHB4 gene, results from a T to C substitution at nucleotide position 269. The leucine at codon 90 is replaced by proline, an amino acid with similar properties. This amino acid position is conserved. In addition, the in silico prediction for this alteration is inconclusive. Based on the available evidence, the clinical significance of this variant remains unclear.